The following is an entry in ClinVar:

NM_030948.6(PHACTR1):c.890C>T (p.Pro297Leu)

Gene: PHACTR1 (phosphatase and actin regulator 1; plus strand). Cytogenetic location: 6p24.1.
Variant type: single nucleotide variant.
Coding change: c.890C>T on transcript NM_030948.6 (MANE Select); coding-DNA position 890, C replaced by T.
Protein change: p.Pro297Leu; replaces proline 297 with leucine.
Molecular consequence: missense variant.
Genome position (GRCh38, 1-based): chr6:13,206,040, C>T. VCF-style: chr6-13206040-C-T. GRCh37 (hg19) VCF-style: chr6-13206272-C-T.
Other names: c.890C>T, p.Pro297Leu (NM_001242648.4, NM_001322308.3, NM_001322309.3 and 1 more transcripts); c.1097C>T, p.Pro366Leu (NM_001322310.2, NM_001374582.1); c.614C>T, p.Pro205Leu (NM_001322311.2, NM_001322312.3, NM_001374583.2); c.821C>T, p.Pro274Leu (NM_001322313.2); c.1100C>T, p.Pro367Leu (NM_001322314.4); short protein forms P205L, P274L, P297L, P366L, P367L.
Identifiers: ClinVar variation 3906785 (VCV003906785.1).

ClinVar aggregate classification (germline): Uncertain significance (1 of 4 stars; one submission).

Submission:

GeneDx
Classification: Uncertain significance. Last evaluated: 2024-12-17. Review status: criteria provided, single submitter. Criteria: GeneDx Variant Classification Process June 2021. Collection method: clinical testing. Allele origin: germline. Affected: yes.
Comment: Has not been previously published as pathogenic or benign to our knowledge; Not observed at significant frequency in large population cohorts (gnomAD); In silico analysis supports that this missense variant has a deleterious effect on protein structure/function